The following is an entry in ClinVar:

ClinVar aggregate classification (germline): Uncertain significance. Review status: criteria provided, multiple submitters, no conflicts (2 of 4 stars). 3 submissions from 3 submitters: Uncertain significance (3). Last evaluated 2025-02-12.

Conditions:
S1PR2-related disorder. Also called: S1PR2-related condition.

Allele frequency attached by ClinVar (database versions not stated): gnomAD 0.00001; gnomAD exomes 0.00002 and 0.00004; ExAC 0.00004; TOPMed 0.00004.

Submissions (3):

PreventionGenetics, part of Exact Sciences
Classification: Uncertain significance for S1PR2-related condition. Last evaluated: 2025-02-12. Review status: criteria provided, single submitter. Criteria: ACMG Guidelines, 2015. Collection method: clinical testing. Allele origin: germline.
Comment: The S1PR2 c.230C>T variant is predicted to result in the amino acid substitution p.Ala77Val. To our knowledge, this variant has not been reported in the literature. This variant is reported in 0.029% of alleles in individuals of Latino descent in gnomAD. At this time, the clinical significance of this variant is uncertain due to the absence of conclusive functional and genetic evidence.

GeneDx
Classification: Uncertain significance. Last evaluated: 2024-06-17. Review status: criteria provided, single submitter. Criteria: GeneDx Variant Classification Process June 2021. Collection method: clinical testing. Allele origin: germline. Affected: yes.
Comment: In silico analysis supports that this missense variant has a deleterious effect on protein structure/function; Has not been previously published as pathogenic or benign to our knowledge

Labcorp Genetics (formerly Invitae), Labcorp
Classification: Uncertain significance. Last evaluated: 2021-09-01. Review status: criteria provided, single submitter. Criteria: Invitae Variant Classification Sherloc (09022015). Collection method: clinical testing. Allele origin: germline.
Comment: This sequence change replaces alanine with valine at codon 77 of the S1PR2 protein (p.Ala77Val). The alanine residue is highly conserved and there is a small physicochemical difference between alanine and valine. This variant is present in population databases (rs779058016, ExAC 0.04%). This variant has not been reported in the literature in individuals affected with S1PR2-related conditions. Algorithms developed to predict the effect of missense changes on protein structure and function (SIFT, PolyPhen-2, Align-GVGD) all suggest that this variant is likely to be tolerated. In summary, the available evidence is currently insufficient to determine the role of this variant in disease. Therefore, it has been classified as a Variant of Uncertain Significance.

NM_004230.4(S1PR2):c.230C>T (p.Ala77Val)

Gene: S1PR2 (sphingosine-1-phosphate receptor 2; minus strand). Cytogenetic location: 19p13.2.
Variant type: single nucleotide variant.
Coding change: c.230C>T on transcript NM_004230.4 (MANE Select); coding-DNA position 230, C replaced by T.
Protein change: p.Ala77Val; replaces alanine 77 with valine.
Molecular consequence: missense variant.
Genome position (GRCh38, 1-based): chr19:10,224,676, G>A on the plus strand (C>T on the coding strand, the complement: S1PR2 is on the minus strand). VCF-style: chr19-10224676-G-A. GRCh37 (hg19) VCF-style: chr19-10335352-G-A.
Other names: c.230C>T (NM_004230.3); short protein forms A77V.
Identifiers: ClinVar variation 1461286 (VCV001461286.7), dbSNP rs779058016, ClinGen allele CA9189130.